The following is an entry in ClinVar:

ClinVar aggregate classification (germline): Uncertain significance (1 of 4 stars; one submission).

Conditions:
Amyotrophic lateral sclerosis type 6. Also called: FUS-Related Amyotrophic Laterial Sclerosis; AMYOTROPHIC LATERAL SCLEROSIS 6 WITHOUT FRONTOTEMPORAL DEMENTIA; Amyotrophic lateral sclerosis 6, with or without frontotemporal dementia. Identifiers: Orphanet 275872, Orphanet 803, MedGen C2931786, MONDO:0011951, OMIM 608030.
Tremor, hereditary essential, 4 (ETM4). Identifiers: MedGen C3539195, MONDO:0013888, OMIM 614782.

Submission:

Labcorp Genetics (formerly Invitae), Labcorp
Classification: Uncertain significance for Tremor, hereditary essential, 4; Amyotrophic lateral sclerosis type 6. Last evaluated: 2022-02-27. Review status: criteria provided, single submitter. Criteria: Invitae Variant Classification Sherloc (09022015). Collection method: clinical testing. Allele origin: germline.
Comment: In summary, the available evidence is currently insufficient to determine the role of this variant in disease. Therefore, it has been classified as a Variant of Uncertain Significance. Algorithms developed to predict the effect of missense changes on protein structure and function are either unavailable or do not agree on the potential impact of this missense change (SIFT: "Deleterious"; PolyPhen-2: "Probably Damaging"; Align-GVGD: "Class C0"). This variant has not been reported in the literature in individuals affected with FUS-related conditions. This variant is not present in population databases (gnomAD no frequency). This sequence change replaces glycine, which is neutral and non-polar, with arginine, which is basic and polar, at codon 457 of the FUS protein (p.Gly457Arg).

NM_004960.4(FUS):c.1369G>A (p.Gly457Arg)

Gene: FUS (FUS RNA binding protein; plus strand). Cytogenetic location: 16p11.2.
Variant type: single nucleotide variant.
Coding change: c.1369G>A on transcript NM_004960.4 (MANE Select); coding-DNA position 1369, G replaced by A.
Protein change: p.Gly457Arg; replaces glycine 457 with arginine.
Molecular consequence: missense variant. On other transcripts: non-coding transcript variant (1).
Genome position (GRCh38, 1-based): chr16:31,190,818, G>A. VCF-style: chr16-31190818-G-A. GRCh37 (hg19) VCF-style: chr16-31202139-G-A.
Other names: c.1366G>A, p.Gly456Arg (NM_001170634.1); c.1357G>A, p.Gly453Arg (NM_001170937.1); short protein forms G456R, G453R, G457R.
Identifiers: ClinVar variation 2104053 (VCV002104053.4), dbSNP rs2544278142, ClinGen allele CA395675490.